The following is an entry in ClinVar:

ClinVar aggregate classification (germline): Uncertain significance (1 of 4 stars; one submission).

Allele frequency attached by ClinVar (database versions not stated): gnomAD exomes below 0.00001.
gnomAD v4.1: 1 of 1,614,124 alleles (0.000062%); highest among the groups gnomAD compares: Non-Finnish European, 0.000085%; no homozygotes.

Submission:

Labcorp Genetics (formerly Invitae), Labcorp
Classification: Uncertain significance. Last evaluated: 2022-06-13. Review status: criteria provided, single submitter. Criteria: Invitae Variant Classification Sherloc (09022015). Collection method: clinical testing. Allele origin: germline.
Comment: Variants that disrupt the consensus splice site are a relatively common cause of aberrant splicing (PMID: 17576681, 9536098). Algorithms developed to predict the effect of sequence changes on RNA splicing suggest that this variant is not likely to affect RNA splicing. In summary, the available evidence is currently insufficient to determine the role of this variant in disease. Therefore, it has been classified as a Variant of Uncertain Significance. This variant has not been reported in the literature in individuals affected with TUBGCP6-related conditions. This variant is not present in population databases (gnomAD no frequency). This sequence change affects codon 611 of the TUBGCP6 mRNA. It is a 'silent' change, meaning that it does not change the encoded amino acid sequence of the TUBGCP6 protein. This variant also falls at the last nucleotide of exon 9, which is part of the consensus splice site for this exon.

Literature cited by the submitters: PubMed 17576681; PubMed 9536098.

NM_020461.4(TUBGCP6):c.1833G>C (p.Arg611=)

Gene: TUBGCP6 (tubulin gamma complex component 6; minus strand). Cytogenetic location: 22q13.33.
Variant type: single nucleotide variant.
Coding change: c.1833G>C on transcript NM_020461.4 (MANE Select); coding-DNA position 1833, G replaced by C.
Protein change: p.Arg611=; no amino-acid change (arginine 611 retained).
Molecular consequence: synonymous variant.
Genome position (GRCh38, 1-based): chr22:50,226,050, C>G on the plus strand (G>C on the coding strand, the complement: TUBGCP6 is on the minus strand). VCF-style: chr22-50226050-C-G. GRCh37 (hg19) VCF-style: chr22-50664479-C-G.
Identifiers: ClinVar variation 1364696 (VCV001364696.6), dbSNP rs772455928, ClinGen allele CA515377231.